The following is an entry in ClinVar:

ClinVar aggregate classification (germline): Likely benign. Review status: criteria provided, single submitter (1 of 4 stars). 2 submissions from 2 submitters: Likely benign (1). 1 of the submissions does not count toward it. Last evaluated 2026-07-01.

Conditions:
ARMC5-related disorder. Also called: ARMC5-related condition.

Allele frequency attached by ClinVar (database versions not stated): 1000 Genomes Project 30x 0.00031; ExAC 0.00037; 1000 Genomes Project 0.00040; gnomAD 0.00048; TOPMed 0.00053; ESP Exome Variant Server 0.00087; gnomAD exomes 0.00095.
gnomAD v4.1: 1,448 of 1,608,074 alleles (0.09%); highest among the groups gnomAD compares: Non-Finnish European, 0.12%; no homozygotes.

Submissions (2):

CeGaT Center for Human Genetics Tuebingen
Classification: Likely benign. Last evaluated: 2026-07-01. Review status: criteria provided, single submitter. Criteria: CeGaT Center For Human Genetics Tuebingen Variant Classification Criteria Version 2. Collection method: clinical testing. Allele origin: germline. Affected: yes. Observed: 1 variant allele.
Comment: ARMC5: BP4

PreventionGenetics, part of Exact Sciences
Classification: Likely benign for ARMC5-related condition. Last evaluated: 2023-05-02. Review status: no assertion criteria provided. Collection method: clinical testing. Allele origin: germline. Not counted in ClinVar's aggregate classification.
Comment: This variant is classified as likely benign based on ACMG/AMP sequence variant interpretation guidelines (Richards et al. 2015 PMID: 25741868, with internal and published modifications).

NM_001105247.2(ARMC5):c.2074G>T (p.Ala692Ser)

Gene: ARMC5 (armadillo repeat containing 5; plus strand). Cytogenetic location: 16p11.2.
Variant type: single nucleotide variant.
Coding change: c.2074G>T on transcript NM_001105247.2 (MANE Select); coding-DNA position 2074, G replaced by T.
Protein change: p.Ala692Ser; replaces alanine 692 with serine.
Molecular consequence: missense variant. On other transcripts: 3 prime UTR variant (1).
Genome position (GRCh38, 1-based): chr16:31,466,155, G>T. VCF-style: chr16-31466155-G-T. GRCh37 (hg19) VCF-style: chr16-31477476-G-T.
Other names: c.2359G>T, p.Ala787Ser (NM_001288767.2); c.2170G>T, p.Ala724Ser (NM_001301820.1); c.*954G>T (NM_024742.2); short protein forms A692S, A724S, A787S.
Identifiers: ClinVar variation 3044888 (VCV003044888.3), dbSNP rs201162311, ClinGen allele CA8029966.